The following is an entry in ClinVar:

NM_005450.6(NOG):c.278G>T (p.Gly93Val)

Gene: NOG (noggin; plus strand). Cytogenetic location: 17q22.
Variant type: single nucleotide variant.
Coding change: c.278G>T on transcript NM_005450.6 (MANE Select); coding-DNA position 278, G replaced by T.
Protein change: p.Gly93Val; replaces glycine 93 with valine.
Molecular consequence: missense variant.
Genome position (GRCh38, 1-based): chr17:56,594,501, G>T. VCF-style: chr17-56594501-G-T. GRCh37 (hg19) VCF-style: chr17-54671862-G-T.
Other names: short protein forms G93V.
Identifiers: ClinVar variation 4699565 (VCV004699565.1).
Genomic context (GRCh38, chr17:56,594,501, plus strand): 5'-ACTACGACCCAGGCTTCATGGCCACCTCGCCCCCCGAGGACCGGCCCGGCGGGGGCGGGG[G>T]TGCAGCTGGGGGCGCGGAGGACCTGGCGGAGCTGGACCAGCTGCTGCGGCAGCGGCCGTC-3'
Protein context (NP_005441.1, residues 83-103): PPEDRPGGGG[Gly93Val]AAGGAEDLAE

ClinVar aggregate classification (germline): Uncertain significance (1 of 4 stars; one submission).

Submission:

Labcorp Genetics (formerly Invitae), Labcorp
Classification: Uncertain significance. Last evaluated: 2026-01-13. Review status: criteria provided, single submitter. Criteria: Invitae Variant Classification Sherloc (09022015). Collection method: clinical testing. Allele origin: germline.
Comment: This sequence change replaces glycine, which is neutral and non-polar, with valine, which is neutral and non-polar, at codon 93 of the NOG protein (p.Gly93Val). This variant is present in population databases (rs747852410, gnomAD 0.008%). This variant has not been reported in the literature in individuals affected with NOG-related conditions. An algorithm developed to predict the effect of missense changes on protein structure and function outputs the following: PolyPhen-2: "Probably Damaging". The valine amino acid residue is found in multiple mammalian species, which suggests that this missense change does not adversely affect protein function. In summary, the available evidence is currently insufficient to determine the role of this variant in disease. Therefore, it has been classified as a Variant of Uncertain Significance.